The following is an entry in ClinVar:

ClinVar aggregate classification (germline): Uncertain significance (1 of 4 stars; one submission).

Allele frequency attached by ClinVar (database versions not stated): gnomAD exomes below 0.00001; ExAC 0.00001; gnomAD 0.00002; TOPMed 0.00002.
gnomAD v4.1: 7 of 1,610,818 alleles (0.00043%); highest among the groups gnomAD compares: South Asian, 0.0033%; no homozygotes.

Submission:

Greenwood Genetic Center Diagnostic Laboratories, Greenwood Genetic Center
Classification: Uncertain significance. Last evaluated: 2023-02-24. Review status: criteria provided, single submitter. Criteria: ACMG Guidelines, 2015. Collection method: clinical testing. Allele origin: germline. Affected: yes.
Comment: PM2, PP3

NM_017721.5(CC2D1A):c.2605C>T (p.Arg869Trp)

Gene: CC2D1A (coiled-coil and C2 domain containing 1A; plus strand). Cytogenetic location: 19p13.12.
Variant type: single nucleotide variant.
Coding change: c.2605C>T on transcript NM_017721.5 (MANE Select); coding-DNA position 2605, C replaced by T.
Protein change: p.Arg869Trp; replaces arginine 869 with tryptophan.
Molecular consequence: missense variant.
Genome position (GRCh38, 1-based): chr19:13,929,555, C>T. VCF-style: chr19-13929555-C-T. GRCh37 (hg19) VCF-style: chr19-14040368-C-T.
Other names: c.2602C>T, p.Arg868Trp (NM_001411138.1); short protein forms R868W, R869W.
Identifiers: ClinVar variation 2505185 (VCV002505185.1), dbSNP rs771534431, ClinGen allele CA9245160.